The following is an entry in ClinVar:

ClinVar aggregate classification (germline): Uncertain significance (1 of 4 stars; one submission).

Conditions:
Facial paresis, hereditary congenital, 3. Identifiers: Orphanet 306530, MedGen C3553625, MONDO:0013880, OMIM 614744.

Allele frequency attached by ClinVar (database versions not stated): gnomAD exomes below 0.00001.
gnomAD v4.1: 2 of 1,613,206 alleles (0.00012%); highest among the groups gnomAD compares: South Asian, 0.0011%; no homozygotes.

Submission:

Broad Center for Mendelian Genomics, Broad Institute of MIT and Harvard
Classification: Uncertain significance for Facial paresis, hereditary congenital, 3. Last evaluated: 2018-06-15. Review status: criteria provided, single submitter. Criteria: ACMG Guidelines, 2015. Collection method: research. Allele origin: germline. Inheritance: Autosomal recessive inheritance. Affected: yes. Clinical features observed: Intellectual disability.
Comment: The homozygous p.Arg255Gln variant was identified by our study in two siblings with Hereditary Congenital Facial Paresis. This variant was absent from large population studies. The Arginine (Arg) at position 255 is highly conserved in mammals and evolutionarily distant species, raising the possibility that a change at this position may not be tolerated. Computational prediction tools suggest that this variant may impact the protein, though this information is not predictive enough to determine pathogenicity. In summary, the clinical significance of this variant is uncertain.

NM_002144.4(HOXB1):c.764G>A (p.Arg255Gln)

Gene: HOXB1 (homeobox B1; minus strand). Cytogenetic location: 17q21.32.
Variant type: single nucleotide variant.
Coding change: c.764G>A on transcript NM_002144.4 (MANE Select); coding-DNA position 764, G replaced by A.
Protein change: p.Arg255Gln; replaces arginine 255 with glutamine.
Molecular consequence: missense variant.
Genome position (GRCh38, 1-based): chr17:48,529,689, C>T on the plus strand (G>A on the coding strand, the complement: HOXB1 is on the minus strand). VCF-style: chr17-48529689-C-T. GRCh37 (hg19) VCF-style: chr17-46607051-C-T.
Other names: short protein forms R255Q.
Identifiers: ClinVar variation 635071 (VCV000635071.1), dbSNP rs1567932264, ClinGen allele CA400078817.